The following is an entry in ClinVar:

ClinVar aggregate classification (germline): Uncertain significance (1 of 4 stars; one submission).

Allele frequency attached by ClinVar (database versions not stated): gnomAD 0.00001.
gnomAD v4.1: 1 of 1,608,660 alleles (0.000062%); highest among the groups gnomAD compares: African/African-American, 0.0013%; no homozygotes.

Submission:

Labcorp Genetics (formerly Invitae), Labcorp
Classification: Uncertain significance. Last evaluated: 2023-12-04. Review status: criteria provided, single submitter. Criteria: Invitae Variant Classification Sherloc (09022015). Collection method: clinical testing. Allele origin: germline.
Comment: This sequence change replaces proline, which is neutral and non-polar, with serine, which is neutral and polar, at codon 558 of the AHDC1 protein (p.Pro558Ser). This variant is not present in population databases (gnomAD no frequency). This variant has not been reported in the literature in individuals affected with AHDC1-related conditions. An algorithm developed to predict the effect of missense changes on protein structure and function (PolyPhen-2) suggests that this variant is likely to be disruptive. In summary, the available evidence is currently insufficient to determine the role of this variant in disease. Therefore, it has been classified as a Variant of Uncertain Significance.

NM_001371928.1(AHDC1):c.1672C>T (p.Pro558Ser)

Gene: AHDC1 (AT-hook DNA binding motif containing 1; minus strand). Cytogenetic location: 1p36.11.
Variant type: single nucleotide variant.
Coding change: c.1672C>T on transcript NM_001371928.1 (MANE Select); coding-DNA position 1672, C replaced by T.
Protein change: p.Pro558Ser; replaces proline 558 with serine.
Molecular consequence: missense variant.
Genome position (GRCh38, 1-based): chr1:27,550,444, G>A on the plus strand (C>T on the coding strand, the complement: AHDC1 is on the minus strand). VCF-style: chr1-27550444-G-A. GRCh37 (hg19) VCF-style: chr1-27876955-G-A.
Other names: c.1672C>T, p.Pro558Ser (NM_001029882.3); short protein forms P558S.
Identifiers: ClinVar variation 3012815 (VCV003012815.3), dbSNP rs1359952977, ClinGen allele CA339233587.
Genomic context (GRCh38, chr1:27,550,444, plus strand): 5'-TGGCCGCTGCCACAGTGGCTGCCTCGGCCGCCACCACAGCTGGCTCCTTGGGCTTGCCGG[G>A]ACCCAGCAGCAGGTTCTTAGGAGGGCGGCCGCGCTTACGTTTGAGAATAATGGGCATCTC-3'
Protein context (NP_001358857.1, residues 548-568): GRPPKNLLLG[Pro558Ser]GKPKEPAVVA